The following is an entry in ClinVar:

ClinVar aggregate classification (germline): Uncertain significance (1 of 4 stars; one submission).

Submission:

Labcorp Genetics (formerly Invitae), Labcorp
Classification: Uncertain significance. Last evaluated: 2022-08-24. Review status: criteria provided, single submitter. Criteria: Invitae Variant Classification Sherloc (09022015). Collection method: clinical testing. Allele origin: germline.
Comment: This sequence change falls in intron 2 of the HPS4 gene. It does not directly change the encoded amino acid sequence of the HPS4 protein. It affects a nucleotide within the consensus splice site. This variant is not present in population databases (gnomAD no frequency). This variant has not been reported in the literature in individuals affected with HPS4-related conditions. Variants that disrupt the consensus splice site are a relatively common cause of aberrant splicing (PMID: 17576681, 9536098). Algorithms developed to predict the effect of sequence changes on RNA splicing suggest that this variant is not likely to affect RNA splicing. In summary, the available evidence is currently insufficient to determine the role of this variant in disease. Therefore, it has been classified as a Variant of Uncertain Significance.

Literature cited by the submitters: PubMed 17576681; PubMed 9536098.

NM_022081.6(HPS4):c.42-3C>T

Gene: HPS4 (HPS4 biogenesis of lysosomal organelles complex 3 subunit 2; minus strand). Cytogenetic location: 22q12.1.
Variant type: single nucleotide variant.
Coding change: c.42-3C>T on transcript NM_022081.6 (MANE Select); 3 bases into the intron before coding-DNA position 42, C replaced by T.
Molecular consequence: intron variant. On other transcripts: synonymous variant (1), non-coding transcript variant (1).
Genome position (GRCh38, 1-based): chr22:26,479,358, G>A on the plus strand (C>T on the coding strand, the complement: HPS4 is on the minus strand). VCF-style: chr22-26479358-G-A. GRCh37 (hg19) VCF-style: chr22-26875324-G-A.
Other names: c.24C>T, p.Ala8= (NM_152841.2); c.42-3C>T (NM_001349905.1, NM_001349904.2, NM_001349902.1 and 7 more transcripts).
Identifiers: ClinVar variation 2135430 (VCV002135430.1), dbSNP rs2518649922, ClinGen allele CA2577673577.